The following is an entry in ClinVar:

NM_000069.3(CACNA1S):c.3636G>A (p.Leu1212=)

Gene: CACNA1S (calcium voltage-gated channel subunit alpha1 S; minus strand). Cytogenetic location: 1q32.1.
Variant type: single nucleotide variant.
Coding change: c.3636G>A on transcript NM_000069.3 (MANE Select); coding-DNA position 3636, G replaced by A.
Protein change: p.Leu1212=; no amino-acid change (leucine 1212 retained).
Molecular consequence: synonymous variant.
Genome position (GRCh38, 1-based): chr1:201,054,535, C>T on the plus strand (G>A on the coding strand, the complement: CACNA1S is on the minus strand). VCF-style: chr1-201054535-C-T. GRCh37 (hg19) VCF-style: chr1-201023663-C-T.
Identifiers: ClinVar variation 1587930 (VCV001587930.11), dbSNP rs774191804, ClinGen allele CA082682.

ClinVar aggregate classification (germline): Likely benign. Review status: criteria provided, multiple submitters, no conflicts (2 of 4 stars). 7 submissions from 4 submitters: Likely benign (7). Last evaluated 2025-03-24.

Conditions:
Malignant hyperthermia, susceptibility to, 5 (MHS5). Also called: CACNA1S-Related Malignant Hyperthermia Susceptibility. Identifiers: Orphanet 423, MedGen C1866077, MONDO:0011163, OMIM 601887.
Hypokalemic periodic paralysis, type 1. Also called: HypoPP; Hypokalemic Periodic Paralysis Type 1 (AD). Identifiers: Orphanet 681, MedGen C3714580, MONDO:0042979, OMIM 170400.
Thyrotoxic periodic paralysis, susceptibility to, 1 (TTPP1). Identifiers: Orphanet 79102, MedGen C2749982, MONDO:0008570, OMIM 188580.
Congenital myopathy 18. Also called: DIHYDROPYRIDINE RECEPTOR CONGENITAL MYOPATHY; DHPR CONGENITAL MYOPATHY; Myopathy, congenital, due to dihydropyridine receptor defect. Identifiers: MedGen C5830283, MONDO:0859514, OMIM 620246.

Allele frequency attached by ClinVar (database versions not stated): gnomAD 0.00001; ExAC 0.00002; gnomAD exomes 0.00002; TOPMed 0.00002.
gnomAD v4.1: 25 of 1,613,800 alleles (0.0015%); highest among the groups gnomAD compares: Middle Eastern, 0.016%; no homozygotes.

Submissions (7):

Labcorp Genetics (formerly Invitae), Labcorp
Classification: Likely benign for Hypokalemic periodic paralysis, type 1; Malignant hyperthermia, susceptibility to, 5. Last evaluated: 2025-03-24. Review status: criteria provided, single submitter. Criteria: Invitae Variant Classification Sherloc (09022015). Collection method: clinical testing. Allele origin: germline.

All of Us Research Program, National Institutes of Health
Classification: Likely benign for Malignant hyperthermia, susceptibility to, 5. Last evaluated: 2023-11-20. Review status: criteria provided, single submitter. Criteria: ACMG Guidelines, 2015. Collection method: clinical testing. Allele origin: germline. Inheritance: Autosomal dominant inheritance. Observed: 3 variant alleles, 3 heterozygotes.
Comment: This study involves interpretation of variants in research participants for the purpose of population health screening. Participant phenotype was not available at the time of variant classification. Additional details can be found in publication PMID: 35346344, PMCID: PMC8962531

Genome-Nilou Lab
Classification: Likely benign for Malignant hyperthermia, susceptibility to, 5. Last evaluated: 2023-04-11. Review status: criteria provided, single submitter. Criteria: ACMG Guidelines, 2015. Collection method: clinical testing. Allele origin: germline. Affected: no.

Genome-Nilou Lab
Classification: Likely benign for Thyrotoxic periodic paralysis, susceptibility to, 1. Last evaluated: 2023-04-11. Review status: criteria provided, single submitter. Criteria: ACMG Guidelines, 2015. Collection method: clinical testing. Allele origin: germline. Affected: no.

Genome-Nilou Lab
Classification: Likely benign for Congenital myopathy 18. Last evaluated: 2023-04-11. Review status: criteria provided, single submitter. Criteria: ACMG Guidelines, 2015. Collection method: clinical testing. Allele origin: germline. Affected: no.

Genome-Nilou Lab
Classification: Likely benign for Hypokalemic periodic paralysis, type 1. Last evaluated: 2023-04-11. Review status: criteria provided, single submitter. Criteria: ACMG Guidelines, 2015. Collection method: clinical testing. Allele origin: germline. Affected: no.

Fulgent Genetics
Classification: Likely benign for Hypokalemic periodic paralysis, type 1; Thyrotoxic periodic paralysis, susceptibility to, 1; Malignant hyperthermia, susceptibility to, 5. Last evaluated: 2021-12-29. Review status: criteria provided, single submitter. Criteria: ACMG Guidelines, 2015. Collection method: clinical testing. Allele origin: unknown.